The following is an entry in ClinVar:

ClinVar aggregate classification (germline): Uncertain significance (1 of 4 stars; one submission).

Conditions:
Inborn genetic diseases. Identifiers: MedGen C0950123, MeSH D030342.

Submission:

Ambry Genetics
Classification: Uncertain significance for Inborn genetic diseases. Last evaluated: 2025-01-27. Review status: criteria provided, single submitter. Criteria: Ambry Variant Classification Scheme 2023. Collection method: clinical testing. Allele origin: germline.
Comment: The p.S120N variant (also known as c.359G>A), located in coding exon 4 of the FANCA gene, results from a G to A substitution at nucleotide position 359. The serine at codon 120 is replaced by asparagine, an amino acid with highly similar properties. This amino acid position is conserved. In addition, this alteration is predicted to be tolerated by in silico analysis. Based on the available evidence, the clinical significance of this variant remains unclear.

NM_000135.4(FANCA):c.359G>A (p.Ser120Asn)

Gene: FANCA (FA complementation group A; minus strand). Cytogenetic location: 16q24.3.
Variant type: single nucleotide variant.
Coding change: c.359G>A on transcript NM_000135.4 (MANE Select); coding-DNA position 359, G replaced by A.
Protein change: p.Ser120Asn; replaces serine 120 with asparagine.
Molecular consequence: missense variant.
Genome position (GRCh38, 1-based): chr16:89,810,996, C>T on the plus strand (G>A on the coding strand, the complement: FANCA is on the minus strand). VCF-style: chr16-89810996-C-T. GRCh37 (hg19) VCF-style: chr16-89877404-C-T.
Other names: c.359G>A, p.Ser120Asn (NM_001018112.3, NM_001286167.3, NM_001351830.2); short protein forms S120N.
Identifiers: ClinVar variation 3848151 (VCV003848151.1).